The following is an entry in ClinVar:

ClinVar aggregate classification (germline): Uncertain significance (1 of 4 stars; one submission).

Conditions:
Charcot-Marie-Tooth disease axonal type 2C (HMSN2C). Also called: Charcot-Marie-Tooth Disease Type 2, TRPV4-Related (CMT2C); CHARCOT-MARIE-TOOTH DISEASE, AXONAL, AUTOSOMAL DOMINANT, TYPE 2C; Charcot-Marie-Tooth Neuropathy Type 2C. Identifiers: Orphanet 99937, MedGen C1853710, MONDO:0011633, OMIM 606071.

Submission:

Labcorp Genetics (formerly Invitae), Labcorp
Classification: Uncertain significance for Charcot-Marie-Tooth disease axonal type 2C. Last evaluated: 2025-05-01. Review status: criteria provided, single submitter. Criteria: Invitae Variant Classification Sherloc (09022015). Collection method: clinical testing. Allele origin: germline.
Comment: This sequence change replaces methionine, which is neutral and non-polar, with valine, which is neutral and non-polar, at codon 375 of the TRPV4 protein (p.Met375Val). This variant is not present in population databases (gnomAD no frequency). This variant has not been reported in the literature in individuals affected with TRPV4-related conditions. Invitae Evidence Modeling of protein sequence and biophysical properties (such as structural, functional, and spatial information, amino acid conservation, physicochemical variation, residue mobility, and thermodynamic stability) has been performed for this missense variant. However, the output from this modeling did not meet the statistical confidence thresholds required to predict the impact of this variant on TRPV4 protein function. In summary, the available evidence is currently insufficient to determine the role of this variant in disease. Therefore, it has been classified as a Variant of Uncertain Significance.

NM_021625.5(TRPV4):c.1123A>G (p.Met375Val)

Gene: TRPV4 (transient receptor potential cation channel subfamily V member 4; minus strand). Cytogenetic location: 12q24.11.
Variant type: single nucleotide variant.
Coding change: c.1123A>G on transcript NM_021625.5 (MANE Select); coding-DNA position 1123, A replaced by G.
Protein change: p.Met375Val; replaces methionine 375 with valine.
Molecular consequence: missense variant.
Genome position (GRCh38, 1-based): chr12:109,798,643, T>C on the plus strand (A>G on the coding strand, the complement: TRPV4 is on the minus strand). VCF-style: chr12-109798643-T-C. GRCh37 (hg19) VCF-style: chr12-110236448-T-C.
Other names: c.982A>G, p.Met328Val (NM_001177428.2, NM_001177433.2); c.1021A>G, p.Met341Val (NM_001177431.2); c.1123A>G, p.Met375Val (NM_147204.3); short protein forms M328V, M341V, M375V.
Identifiers: ClinVar variation 4803073 (VCV004803073.1).
Genomic context (GRCh38, chr12:109,798,643, plus strand): 5'-GGATCAGCTGTGCCCCCAGCCGCACACTCACCCCAATCTTGCCCGTCTTGGCAGCCATCA[T>C]GAGGGGCGAGAGGCCGTCGTTGTTGAGCACGGCCTCCAGGTTGCTGTCGGGGAAGAGGCG-3'
Protein context (NP_067638.3, residues 365-385): VLNNDGLSPL[Met375Val]MAAKTGKIGI